The following is an entry in ClinVar:

NM_000875.5(IGF1R):c.4088A>C (p.Gln1363Pro)

Gene: IGF1R (insulin like growth factor 1 receptor; plus strand). Cytogenetic location: 15q26.3.
Variant type: single nucleotide variant.
Coding change: c.4088A>C on transcript NM_000875.5 (MANE Select); coding-DNA position 4088, A replaced by C.
Protein change: p.Gln1363Pro; replaces glutamine 1363 with proline.
Molecular consequence: missense variant.
Genome position (GRCh38, 1-based): chr15:98,957,426, A>C. VCF-style: chr15-98957426-A-C. GRCh37 (hg19) VCF-style: chr15-99500655-A-C.
Other names: c.4085A>C, p.Gln1362Pro (NM_001291858.2); short protein forms Q1363P, Q1362P.
Identifiers: ClinVar variation 4767397 (VCV004767397.1).
Genomic context (GRCh38, chr15:98,957,426, plus strand): 5'-GACAGCCTTACGCCCACATGAACGGGGGCCGCAAGAACGAGCGGGCCTTGCCGCTGCCCC[A>C]GTCTTCGACCTGCTGATCCTTGGATCCTGAATCTGTGCAAACAGTAACGTGTGCGCACGC-3'
Protein context (NP_000866.1, residues 1353-1367): RKNERALPLP[Gln1363Pro]SSTC

ClinVar aggregate classification (germline): Uncertain significance (1 of 4 stars; one submission).

Submission:

Labcorp Genetics (formerly Invitae), Labcorp
Classification: Uncertain significance. Last evaluated: 2025-10-31. Review status: criteria provided, single submitter. Criteria: Invitae Variant Classification Sherloc (09022015). Collection method: clinical testing. Allele origin: germline.
Comment: This sequence change replaces glutamine, which is neutral and polar, with proline, which is neutral and non-polar, at codon 1363 of the IGF1R protein (p.Gln1363Pro). This variant is not present in population databases (gnomAD no frequency). This variant has not been reported in the literature in individuals affected with IGF1R-related conditions. An algorithm developed to predict the effect of missense changes on protein structure and function (PolyPhen-2) suggests that this variant is likely to be disruptive. In summary, the available evidence is currently insufficient to determine the role of this variant in disease. Therefore, it has been classified as a Variant of Uncertain Significance.